The following is an entry in ClinVar:

ClinVar aggregate classification (germline): Uncertain significance (1 of 4 stars; one submission).

Conditions:
Granulomatous disease, chronic, autosomal recessive, cytochrome b-positive, type 2. Also called: GRANULOMATOUS DISEASE, CHRONIC, AUTOSOMAL RECESSIVE, 2; CGD, AUTOSOMAL RECESSIVE CYTOCHROME b-POSITIVE, TYPE II; Chronic granulomatous disease due to deficiency of NCF-2; Chronic Granulomatous Disease, Autosomal Recessive, Cytochrome b-Positive, Type II; GRANULOMATOUS DISEASE, CHRONIC, DUE TO NCF2 DEFICIENCY. Identifiers: Orphanet 379, MedGen C1856245, MONDO:0009310, OMIM 233710.

Submission:

Labcorp Genetics (formerly Invitae), Labcorp
Classification: Uncertain significance for Granulomatous disease, chronic, autosomal recessive, cytochrome b-positive, type 2. Last evaluated: 2024-02-26. Review status: criteria provided, single submitter. Criteria: Invitae Variant Classification Sherloc (09022015). Collection method: clinical testing. Allele origin: germline.
Comment: This sequence change replaces lysine, which is basic and polar, with arginine, which is basic and polar, at codon 138 of the NCF2 protein (p.Lys138Arg). This variant is not present in population databases (gnomAD no frequency). This variant has not been reported in the literature in individuals affected with NCF2-related conditions. ClinVar contains an entry for this variant (Variation ID: 848612). Advanced modeling of protein sequence and biophysical properties (such as structural, functional, and spatial information, amino acid conservation, physicochemical variation, residue mobility, and thermodynamic stability) performed at Invitae indicates that this missense variant is not expected to disrupt NCF2 protein function with a negative predictive value of 80%. In summary, the available evidence is currently insufficient to determine the role of this variant in disease. Therefore, it has been classified as a Variant of Uncertain Significance.

NM_000433.4(NCF2):c.413A>G (p.Lys138Arg)

Gene: NCF2 (neutrophil cytosolic factor 2; minus strand). Cytogenetic location: 1q25.3.
Variant type: single nucleotide variant.
Coding change: c.413A>G on transcript NM_000433.4 (MANE Select); coding-DNA position 413, A replaced by G.
Protein change: p.Lys138Arg; replaces lysine 138 with arginine.
Molecular consequence: missense variant. On other transcripts: intron variant (2).
Genome position (GRCh38, 1-based): chr1:183,574,575, T>C on the plus strand (A>G on the coding strand, the complement: NCF2 is on the minus strand). VCF-style: chr1-183574575-T-C. GRCh37 (hg19) VCF-style: chr1-183543710-T-C.
Other names: c.413A>G, p.Lys138Arg (NM_001127651.3); c.366+3024A>G (NM_001190789.2); c.367-1283A>G (NM_001190794.2); short protein forms K138R.
Identifiers: ClinVar variation 848612 (VCV000848612.10), dbSNP rs1672714323, ClinGen allele CA343677812.